The following is an entry in ClinVar:

NM_007294.4(BRCA1):c.4949T>A (p.Met1650Lys)

Gene: BRCA1 (BRCA1 DNA repair associated; minus strand). Cytogenetic location: 17q21.31.
Variant type: single nucleotide variant.
Coding change: c.4949T>A on transcript NM_007294.4 (MANE Select); coding-DNA position 4949, T replaced by A.
Protein change: p.Met1650Lys; replaces methionine 1650 with lysine.
Molecular consequence: missense variant. On other transcripts: non-coding transcript variant (1).
Genome position (GRCh38, 1-based): chr17:43,070,965, A>T on the plus strand (T>A on the coding strand, the complement: BRCA1 is on the minus strand). VCF-style: chr17-43070965-A-T. GRCh37 (hg19) VCF-style: chr17-41222982-A-T.
Other names: c.4736T>A, p.Met1579Lys (NM_001407571.1, NM_001407894.1, NM_001407895.1 and 12 more transcripts); c.5015T>A, p.Met1672Lys (NM_001407581.1, NM_001407582.1); c.5012T>A, p.Met1671Lys (NM_001407583.1, NM_001407585.1, NM_001407587.1 and 1 more transcripts); c.5009T>A, p.Met1670Lys (NM_001407590.1, NM_001407591.1); c.4949T>A, p.Met1650Lys (NM_001407593.1, NM_001407594.1, NM_001407596.1 and 8 more transcripts); c.4946T>A, p.Met1649Lys (NM_001407610.1, NM_001407611.1, NM_001407612.1 and 17 more transcripts); c.4943T>A, p.Met1648Lys (NM_001407627.1, NM_001407628.1, NM_001407629.1 and 14 more transcripts); c.4940T>A, p.Met1647Lys (NM_001407644.1, NM_001407645.1); and 70 more; short protein forms M1603K, M1671K, M546K, M1650K, M1521K, M1538K, M1580K, M1581K.
Identifiers: ClinVar variation 865450 (VCV000865450.3), dbSNP rs778487856, ClinGen allele CA10591625.

Conditions:
Breast-ovarian cancer, familial, susceptibility to, 1 (BROVCA1). Also called: BRCA1 Hereditary Breast and Ovarian Cancer; OVARIAN CANCER, SUSCEPTIBILITY TO. Identifiers: Orphanet 145, MedGen C2676676, MONDO:0011450, OMIM 604370. Disease mechanism: loss of function.

Submission:

Brotman Baty Institute, University of Washington
No classification provided (evidence only). Condition: Breast-ovarian cancer, familial 1. Review status: no classification provided. Collection method: in vitro. Allele origin: not applicable. Functional consequence: functionally_normal.
ClinVar note: "not provided" was previously submitted as the classification for the variant. However, the classification appeared to be based only on an observation of functional data so it was converted to no classification on 2025-07-30.